The following is an entry in ClinVar:

NM_000565.4(IL6R):c.428C>T (p.Thr143Met)

Gene: IL6R (interleukin 6 receptor; plus strand). Cytogenetic location: 1q21.3.
Variant type: single nucleotide variant.
Coding change: c.428C>T on transcript NM_000565.4 (MANE Select); coding-DNA position 428, C replaced by T.
Protein change: p.Thr143Met; replaces threonine 143 with methionine.
Molecular consequence: missense variant. On other transcripts: intron variant (1).
Genome position (GRCh38, 1-based): chr1:154,430,576, C>T. VCF-style: chr1-154430576-C-T. GRCh37 (hg19) VCF-style: chr1-154403052-C-T.
Other names: c.428C>T, p.Thr143Met (NM_001382769.1, NM_001382770.1, NM_001382771.1 and 4 more transcripts); c.126+1340C>T (NM_001382774.1); c.428C>T (NM_000565.3); short protein forms T143M.
Identifiers: ClinVar variation 1488146 (VCV001488146.6), dbSNP rs147394499, ClinGen allele CA1129011.
Genomic context (GRCh38, chr1:154,430,576, plus strand): 5'-GGAAGAGCCCCCTCAGCAATGTTGTTTGTGAGTGGGGTCCTCGGAGCACCCCATCCCTGA[C>T]GACAAAGGCTGTGCTCTTGGTGAGGAAGTTGTAAGTATCTTGGGCTGAGCTATGTGCATG-3'
Protein context (NP_000556.1, residues 133-153): EWGPRSTPSL[Thr143Met]TKAVLLVRKF

ClinVar aggregate classification (germline): Uncertain significance. Review status: criteria provided, multiple submitters, no conflicts (2 of 4 stars). 2 submissions from 2 submitters: Uncertain significance (2). Last evaluated 2025-11-08.

Allele frequency attached by ClinVar (database versions not stated): ESP Exome Variant Server 0.00008; ExAC 0.00004.
gnomAD v4.1: 22 of 1,614,062 alleles (0.0014%); highest among the groups gnomAD compares: African/African-American, 0.0053%; no homozygotes.

Submissions (2):

Ambry Genetics
Classification: Uncertain significance. Last evaluated: 2025-11-08. Review status: criteria provided, single submitter. Criteria: Ambry Variant Classification Scheme 2023. Collection method: clinical testing. Allele origin: germline.

Labcorp Genetics (formerly Invitae), Labcorp
Classification: Uncertain significance. Last evaluated: 2022-06-13. Review status: criteria provided, single submitter. Criteria: Invitae Variant Classification Sherloc (09022015). Collection method: clinical testing. Allele origin: germline.
Comment: This sequence change replaces threonine, which is neutral and polar, with methionine, which is neutral and non-polar, at codon 143 of the IL6R protein (p.Thr143Met). This variant is present in population databases (rs147394499, gnomAD 0.01%). This variant has not been reported in the literature in individuals affected with IL6R-related conditions. Algorithms developed to predict the effect of missense changes on protein structure and function output the following: SIFT: "Deleterious"; PolyPhen-2: "Benign"; Align-GVGD: "Class C0". The methionine amino acid residue is found in multiple mammalian species, which suggests that this missense change does not adversely affect protein function. In summary, the available evidence is currently insufficient to determine the role of this variant in disease. Therefore, it has been classified as a Variant of Uncertain Significance.